The following is an entry in ClinVar:

ClinVar aggregate classification (germline): Uncertain significance (1 of 4 stars; one submission).

Allele frequency attached by ClinVar (database versions not stated): gnomAD exomes 0.00001 and 0.00002; TOPMed 0.00001; ExAC 0.00002.
gnomAD v4.1: 6 of 1,613,202 alleles (0.00037%); highest among the groups gnomAD compares: Admixed American, 0.01%; no homozygotes.

Submission:

Labcorp Genetics (formerly Invitae), Labcorp
Classification: Uncertain significance. Last evaluated: 2018-05-18. Review status: criteria provided, single submitter. Criteria: Invitae Variant Classification Sherloc (09022015). Collection method: clinical testing. Allele origin: germline.
Comment: This variant is present in population databases (rs773254128, ExAC 0.03%). This sequence change falls in intron 8 of the NBAS gene. It does not directly change the encoded amino acid sequence of the NBAS protein, but it affects a nucleotide within the consensus splice site of the intron. This variant has not been reported in the literature in individuals with NBAS-related disease. In summary, the available evidence is currently insufficient to determine the role of this variant in disease. Therefore, it has been classified as a Variant of Uncertain Significance. Nucleotide substitutions within the consensus splice site are a relatively common cause of aberrant splicing (PMID: 17576681, 9536098). Algorithms developed to predict the effect of sequence changes on RNA splicing suggest that this variant may disrupt the consensus splice site, but this prediction has not been confirmed by published transcriptional studies.

Literature cited by the submitters: PubMed 17576681; PubMed 9536098.

NM_015909.4(NBAS):c.647+4A>G

Gene: NBAS (NBAS subunit of NRZ tethering complex; minus strand). Cytogenetic location: 2p24.3.
Variant type: single nucleotide variant.
Coding change: c.647+4A>G on transcript NM_015909.4 (MANE Select); 4 bases into the intron after coding-DNA position 647, A replaced by G.
Molecular consequence: intron variant.
Genome position (GRCh38, 1-based): chr2:15,536,414, T>C on the plus strand (A>G on the coding strand, the complement: NBAS is on the minus strand). VCF-style: chr2-15536414-T-C. GRCh37 (hg19) VCF-style: chr2-15676538-T-C.
Identifiers: ClinVar variation 1008666 (VCV001008666.6), dbSNP rs773254128, ClinGen allele CA1536976.